The following is an entry in ClinVar:

ClinVar aggregate classification (germline): Uncertain significance (1 of 4 stars; one submission).

Allele frequency attached by ClinVar (database versions not stated): gnomAD exomes below 0.00001; TOPMed 0.00001.

Submission:

Labcorp Genetics (formerly Invitae), Labcorp
Classification: Uncertain significance. Last evaluated: 2023-10-05. Review status: criteria provided, single submitter. Criteria: Invitae Variant Classification Sherloc (09022015). Collection method: clinical testing. Allele origin: germline.
Comment: This sequence change replaces aspartic acid, which is acidic and polar, with asparagine, which is neutral and polar, at codon 2238 of the KMT2A protein (p.Asp2238Asn). This variant is not present in population databases (gnomAD no frequency). This variant has not been reported in the literature in individuals affected with KMT2A-related conditions. Advanced modeling of protein sequence and biophysical properties (such as structural, functional, and spatial information, amino acid conservation, physicochemical variation, residue mobility, and thermodynamic stability) performed at Invitae indicates that this missense variant is not expected to disrupt KMT2A protein function. In summary, the available evidence is currently insufficient to determine the role of this variant in disease. Therefore, it has been classified as a Variant of Uncertain Significance.

NM_001197104.2(KMT2A):c.6712G>A (p.Asp2238Asn)

Gene: KMT2A (lysine methyltransferase 2A; plus strand). Cytogenetic location: 11q23.3.
Variant type: single nucleotide variant.
Coding change: c.6712G>A on transcript NM_001197104.2 (MANE Select); coding-DNA position 6712, G replaced by A.
Protein change: p.Asp2238Asn; replaces aspartic acid 2238 with asparagine.
Molecular consequence: missense variant.
Genome position (GRCh38, 1-based): chr11:118,502,604, G>A. VCF-style: chr11-118502604-G-A. GRCh37 (hg19) VCF-style: chr11-118373319-G-A.
Other names: c.6802G>A, p.Asp2268Asn (NM_001412597.1); c.6703G>A, p.Asp2235Asn (NM_005933.4); short protein forms D2235N, D2238N, D2268N.
Identifiers: ClinVar variation 2995051 (VCV002995051.3), dbSNP rs1950517665, ClinGen allele CA382802773.
Genomic context (GRCh38, chr11:118,502,604, plus strand): 5'-ACTGGGAATACTTACTCTAGGAATAATGTTTCCTCAGTCTCCACCACCGGGACCGCTACT[G>A]ATCTTGAATCAAGTGCCAAAGTAGTTGATCATGTCTTAGGGCCACTGAATTCAAGTACTA-3'
Protein context (NP_001184033.1, residues 2228-2248): SSVSTTGTAT[Asp2238Asn]LESSAKVVDH